The following is an entry in ClinVar:

ClinVar aggregate classification (germline): Uncertain significance (1 of 4 stars; one submission).

Conditions:
PLXNA1-related disorder. Also called: PLXNA1-related condition.

gnomAD v4.1: 7 of 1,613,518 alleles (0.00043%); highest among the groups gnomAD compares: Admixed American, 0.0033%; no homozygotes.

Submission:

PreventionGenetics, part of Exact Sciences
Classification: Uncertain significance for PLXNA1-related condition. Last evaluated: 2026-08-16. Review status: criteria provided, single submitter. Criteria: ACMG Guidelines, 2015. Collection method: clinical testing. Allele origin: germline.
Comment: The PLXNA1 c.757G>A variant is predicted to result in the amino acid substitution p.Glu253Lys. To our knowledge, this variant has not been reported in the literature. This variant is reported in 0.0029% of alleles in individuals of Latino descent in gnomAD. At this time, the clinical significance of this variant is uncertain due to the absence of conclusive functional and genetic evidence.

NM_032242.4(PLXNA1):c.757G>A (p.Glu253Lys)

Gene: PLXNA1 (plexin A1; plus strand). Cytogenetic location: 3q21.3.
Variant type: single nucleotide variant.
Coding change: c.757G>A on transcript NM_032242.4 (MANE Select); coding-DNA position 757, G replaced by A.
Protein change: p.Glu253Lys; replaces glutamic acid 253 with lysine.
Molecular consequence: missense variant.
Genome position (GRCh38, 1-based): chr3:126,989,350, G>A. VCF-style: chr3-126989350-G-A. GRCh37 (hg19) VCF-style: chr3-126708193-G-A.
Other names: short protein forms E253K.
Identifiers: ClinVar variation 4990663 (VCV004990663.1).